The following is an entry in ClinVar:

NM_001077365.2(POMT1):c.184del (p.Asp62fs)

Gene: POMT1 (protein O-mannosyltransferase 1; plus strand). Cytogenetic location: 9q34.13.
Variant type: Deletion.
Coding change: c.184del on transcript NM_001077365.2 (MANE Select); coding-DNA position 184, one base deleted (G; older notation c.184delG).
Protein change: p.Asp62fs; shifts the reading frame from aspartic acid 62.
Molecular consequence: frameshift variant. On other transcripts: non-coding transcript variant (7), intron variant (9).
Genome position (GRCh38, 1-based): chr9:131,506,175, G deleted; the last of 2 consecutive G bases (chr9:131,506,174-131,506,175); deleting either gives the same sequence. VCF-style (leftmost placement, unchanged base first): chr9-131506173-TG-T. GRCh37 (hg19) VCF-style: chr9-134381560-TG-T.
Other names: c.22del, p.Asp8fs (NM_001077366.2, NM_001353194.2, NM_001353197.2 and 3 more transcripts); c.184del, p.Asp62fs (NM_001136113.2, NM_001353193.2, NM_001374690.1 and 1 more transcripts); c.-71-1193del (NM_001374691.1, NM_001374692.1); c.123-228del (NM_001353196.2); c.-122-228del (NM_001353195.2, NM_001353199.2, NM_001136114.2); c.-30+1835del (NM_001374695.1); c.-760-228del (NM_001411024.1); c.-80-228del (NM_001353200.2); short protein forms D62fs, D8fs.
Identifiers: ClinVar variation 3075988 (VCV003075988.1), dbSNP rs1945770086, ClinGen allele CA1129619108.
Genomic context (GRCh38, chr9:131,506,173, plus strand): 5'-GTTTTGACGAAGTATATTATGGGCAGTACATCTCTTTTTACATGAAACAAATCTTCTTCT[TG>T]GATGACAGTGGGCCGCCATTTGGCCACATGGTGCTGGCCTTGGGAGGTAGGAGTCATCAG-3'

ClinVar aggregate classification (germline): Likely pathogenic (1 of 4 stars; one submission).

Conditions:
Walker-Warburg congenital muscular dystrophy. Also called: Muscular dystrophy-dystroglycanopathy, type A; Walker-Warburg syndrome. Identifiers: Orphanet 899, MedGen C0265221, MONDO:0000171.

Submission:

Laboratory for Molecular Medicine, Mass General Brigham Personalized Medicine
Classification: Likely pathogenic for Walker-Warburg congenital muscular dystrophy. Last evaluated: 2024-03-29. Review status: criteria provided, single submitter. Criteria: ACMG Guidelines, 2015. Collection method: clinical testing. Allele origin: germline. Inheritance: Autosomal recessive inheritance.
Comment: The p.Asp62MetfsX18 variant in POMT1 has not been previously reported in individuals with POMT1-associated disorders but has been identified in 0.0017% (1/57254) of African/African American chromosomes by gnomAD (v.4.0.0). This variant is predicted to cause a frameshift, which alters the protein’s amino acid sequence beginning at position 62 and leads to a premature termination codon 18 amino acids downstream. This alteration is then predicted to lead to a truncated or absent protein. Biallelic loss of function of the POMT1 gene is an established disease mechanism in autosomal recessive POMT1-related muscular dystrophy-dystroglycanopathies. In summary, although additional studies are required to fully establish its clinical significance, this variant meets criteria to be classified as likely pathogenic for autosomal recessive POMT1-related myopathies. ACMG/AMP Criteria applied: PVS1, PM2_Supporting.